The following is an entry in ClinVar:

ClinVar aggregate classification (germline): Uncertain significance (1 of 4 stars; one submission).

Allele frequency attached by ClinVar (database versions not stated): gnomAD 0.00027; 1000 Genomes Project 0.00140.
gnomAD v4.1: 496 of 1,613,312 alleles (0.031%); highest among the groups gnomAD compares: East Asian, 0.98%; 2 homozygotes.

Submission:

Women's Health and Genetics/Laboratory Corporation of America, LabCorp
Classification: Uncertain significance. Last evaluated: 2023-09-08. Review status: criteria provided, single submitter. Criteria: LabCorp Variant Classification Summary - May 2015. Collection method: clinical testing. Allele origin: germline.
Comment: Variant summary: ACAN c.2842G>C (p.Ala948Pro) results in a non-conservative amino acid change in the encoded protein sequence. Three of five in-silico tools predict a benign effect of the variant on protein function. The variant allele was found at a frequency of 0.00037 in 249222 control chromosomes. To our knowledge, no occurrence of c.2842G>C in individuals affected with ACAN-Related Disorders and no experimental evidence demonstrating its impact on protein function have been reported. No submitters have cited clinical-significance assessments for this variant to ClinVar after 2014. Based on the evidence outlined above, the variant was classified as uncertain significance.

NM_001369268.1(ACAN):c.2842G>C (p.Ala948Pro)

Gene: ACAN (aggrecan; plus strand). Cytogenetic location: 15q26.1.
Variant type: single nucleotide variant.
Coding change: c.2842G>C on transcript NM_001369268.1 (MANE Select); coding-DNA position 2842, G replaced by C.
Protein change: p.Ala948Pro; replaces alanine 948 with proline.
Molecular consequence: missense variant.
Genome position (GRCh38, 1-based): chr15:88,855,427, G>C. VCF-style: chr15-88855427-G-C. GRCh37 (hg19) VCF-style: chr15-89398658-G-C.
Other names: c.2842G>C, p.Ala948Pro (NM_001135.4, NM_001411096.1, NM_001411097.1 and 1 more transcripts); short protein forms A948P.
Identifiers: ClinVar variation 2627165 (VCV002627165.1), dbSNP rs138620973, ClinGen allele CA7719943.